The following is an entry in ClinVar:

NM_001113491.2(SEPTIN9):c.829G>A (p.Gly277Ser)

Gene: SEPTIN9 (septin 9; plus strand). Cytogenetic location: 17q25.3.
Variant type: single nucleotide variant.
Coding change: c.829G>A on transcript NM_001113491.2 (MANE Select); coding-DNA position 829, G replaced by A.
Protein change: p.Gly277Ser; replaces glycine 277 with serine.
Molecular consequence: missense variant.
Genome position (GRCh38, 1-based): chr17:77,482,251, G>A. VCF-style: chr17-77482251-G-A. GRCh37 (hg19) VCF-style: chr17-75478333-G-A.
Other names: c.337G>A, p.Gly113Ser (NM_001113492.2, NM_001113494.1); c.808G>A, p.Gly270Ser (NM_001113493.2); c.76G>A, p.Gly26Ser (NM_001113495.2, NM_001113496.2, NM_001293697.2 and 1 more transcripts); c.772G>A, p.Gly258Ser (NM_001293695.2); c.157G>A, p.Gly53Ser (NM_001293696.2); c.775G>A, p.Gly259Ser (NM_006640.5); c.775G>A (NM_006640.4); short protein forms G113S, G258S, G259S, G26S, G270S, G277S, G53S.
Identifiers: ClinVar variation 1682626 (VCV001682626.6), dbSNP rs767835023, ClinGen allele CA8793535.

ClinVar aggregate classification (germline): Conflicting classifications of pathogenicity. Review status: criteria provided, conflicting classifications (1 of 4 stars). 2 submissions from 2 submitters: Uncertain significance (1); Likely benign (1). Last evaluated 2026-02-16.

Conditions:
Inborn genetic diseases. Identifiers: MedGen C0950123, MeSH D030342.

Allele frequency attached by ClinVar (database versions not stated): gnomAD 0.00005; TOPMed 0.00005; ExAC 0.00002; gnomAD exomes 0.00002 and 0.00003.
gnomAD v4.1: 33 of 1,613,030 alleles (0.002%); highest among the groups gnomAD compares: African/African-American, 0.012%; no homozygotes.

Submissions (2):

Ambry Genetics
Classification: Uncertain significance for Inborn genetic diseases. Last evaluated: 2026-02-16. Review status: criteria provided, single submitter. Criteria: Ambry Variant Classification Scheme 2023. Collection method: clinical testing. Allele origin: germline.
Comment: The c.775G>A (p.G259S) alteration is located in exon 3 (coding exon 3) of the SEPT9 gene. This alteration results from a G to A substitution at nucleotide position 775, causing the glycine (G) at amino acid position 259 to be replaced by a serine (S). Based on data from gnomAD, the A allele has an overall frequency of 0.003% (9/279554) total alleles studied. The highest observed frequency was 0.021% (5/24110) of African alleles. Based on insufficient or conflicting evidence, the clinical significance of this alteration remains unclear.

Labcorp Genetics (formerly Invitae), Labcorp
Classification: Likely benign. Last evaluated: 2024-11-06. Review status: criteria provided, single submitter. Criteria: Invitae Variant Classification Sherloc (09022015). Collection method: clinical testing. Allele origin: germline.